The following is an entry in ClinVar:

NM_020975.6(RET):c.73+9385_73+9395del

Genes: MCS+9.7 (RET intron 1 enhancer; plus strand), RET (ret proto-oncogene; plus strand), LOC110121502 (VISTA enhancer hs2326; plus strand). Cytogenetic location: 10q11.21.
Variant type: Deletion.
Coding change: c.73+9385_73+9395del on transcript NM_020975.6 (MANE Select); bases 9385 to 9395 of the intron after coding-DNA position 73, 11 bases deleted (AGCAACTGCCA).
Molecular consequence: intron variant.
Genome position (GRCh38, 1-based): chr10:43,086,716-43,086,726, AGCAACTGCCA deleted; deleting any 11 consecutive bases within chr10:43,086,715-43,086,726 gives the same sequence; the c. name uses the placement nearest the transcript's 3' end. VCF-style (leftmost placement, unchanged base first): chr10-43086714-GAAGCAACTGCC-G. GRCh37 (hg19) VCF-style: chr10-43582162-GAAGCAACTGCC-G.
Other names: c.73+9385_73+9395del (NM_020630.7, NM_001406743.1, NM_001406744.1 and 36 more transcripts); c.73+9385_73+9395delAGCAACTGCCA (NM_020975.6).
Identifiers: ClinVar variation 1189903 (VCV001189903.16), dbSNP rs368137511, ClinGen allele CA206711502.

ClinVar aggregate classification (germline): Benign/Likely benign. Review status: criteria provided, multiple submitters, no conflicts (2 of 4 stars). 5 submissions from 5 submitters: Benign (1); Likely benign (2). 2 of the submissions do not count toward it. Last evaluated 2025-08-07.

Conditions:
Multiple endocrine neoplasia type 2A. Also called: MULTIPLE ENDOCRINE NEOPLASIA, TYPE IIA; PTC SYNDROME; SIPPLE SYNDROME; MEN 2A; MEN-2A syndrome; Pheochromocytoma and amyloid producing medullary thyroid carcinoma. Identifiers: Orphanet 247698, Orphanet 653, MedGen C0025268, MeSH D018813, MONDO:0008234, OMIM 171400.
RET-related disorder. Also called: RET-related disorders; RET-related condition; RET-related disease.
Multiple endocrine neoplasia, type 2 (MEN2). Identifiers: Orphanet 653, MedGen C4048306, MONDO:0019003. Disease mechanism: gain of function.

Submissions (5):

Labcorp Genetics (formerly Invitae), Labcorp
Classification: Benign for Multiple endocrine neoplasia, type 2. Last evaluated: 2025-08-07. Review status: criteria provided, single submitter. Criteria: Invitae Variant Classification Sherloc (09022015). Collection method: clinical testing. Allele origin: germline.

Blueprint Genetics
Classification: Likely benign. Last evaluated: 2024-11-21. Review status: criteria provided, single submitter. Criteria: ACMG Guidelines, 2015. Collection method: clinical testing. Allele origin: germline.

GeneDx
Classification: Likely benign. Last evaluated: 2019-10-31. Review status: criteria provided, single submitter. Criteria: GeneDx Variant Classification Process June 2021. Collection method: clinical testing. Allele origin: germline. Affected: yes.
Comment: This variant is associated with the following publications: (PMID: 19666486)

PreventionGenetics, part of Exact Sciences
Classification: Likely benign for RET-related condition. Last evaluated: 2020-06-15. Review status: no assertion criteria provided. Collection method: clinical testing. Allele origin: germline. Not counted in ClinVar's aggregate classification.
Comment: This variant is classified as likely benign based on ACMG/AMP sequence variant interpretation guidelines (Richards et al. 2015 PMID: 25741868, with internal and published modifications).

Department of Pathology and Laboratory Medicine, Sinai Health System
Classification: Likely pathogenic for multiple endocrine neoplasia type 2A. Review status: flagged submission. Criteria: ACMG Guidelines, 2015. Collection method: clinical testing. Allele origin: germline. Not counted in ClinVar's aggregate classification.
ClinVar note: Reason: Outlier claim with insufficient supporting evidence